The following is an entry in ClinVar:

NM_000203.5(IDUA):c.164dup (p.Leu56fs)

Genes: IDUA (alpha-L-iduronidase; plus strand), SLC26A1 (solute carrier family 26 member 1; minus strand). Cytogenetic location: 4p16.3.
Variant type: Duplication.
Coding change: c.164dup on transcript NM_000203.5 (MANE Select); coding-DNA position 164, one base duplicated (C; older notation c.164dupC).
Protein change: p.Leu56fs; shifts the reading frame from leucine 56.
Molecular consequence: frameshift variant. On other transcripts: 3 prime UTR variant (2), non-coding transcript variant (1), intron variant (1).
Genome position (GRCh38, 1-based): chr4:987,814, C duplicated; the last of 6 consecutive C bases (chr4:987,809-987,814); duplicating any one gives the same sequence. VCF-style (leftmost placement, unchanged base first): chr4-987808-G-GC. GRCh37 (hg19) VCF-style: chr4-981596-G-GC.
Other names: NM_000203.5(IDUA):c.164dup; p.Leu56fs; c.*1024dup (NM_022042.4, NM_213613.4); c.576+3319dup (NM_134425.4); c.164dupC (NM_000203.4, NM_000203.5); short protein forms L56fs.
Identifiers: ClinVar variation 855487 (VCV000855487.17), dbSNP rs727503966, ClinGen allele CA355945969.

ClinVar aggregate classification (germline): Pathogenic. Review status: reviewed by expert panel (3 of 4 stars). 7 submissions from 7 submitters: Pathogenic (1). 6 of the submissions do not count toward it. Last evaluated 2025-06-16.

Conditions:
Mucopolysaccharidosis type 1. Also called: IDUA deficiency; MPS I; Mucopolysaccharidosis Type I. Identifiers: Orphanet 579, MedGen C0023786, MONDO:0001586.
Mucopolysaccharidosis, MPS-I-S. Also called: Scheie Syndrome; MUCOPOLYSACCHARIDOSIS TYPE IS; MPS V; MUCOPOLYSACCHARIDOSIS TYPE V. Identifiers: Orphanet 93474, MedGen C0026708, MONDO:0011760, OMIM 607016.
Hurler syndrome. Also called: Gargoylism, Hurler Syndrome; MUCOPOLYSACCHARIDOSIS TYPE IH; Severe MPS I (Hurler Syndrome). Identifiers: Orphanet 93473, MedGen C0086795, MONDO:0011758, OMIM 607014.
Mucopolysaccharidosis, MPS-I-H/S. Also called: Mucopolysaccharidosis type IH/S. Identifiers: Orphanet 93476, MedGen C0086431, MONDO:0011759, OMIM 607015.

Submissions (7):

ClinGen Lysosomal Storage Disorder Variant Curation Expert Panel
Classification: Pathogenic for Mucopolysaccharidosis type 1. Last evaluated: 2025-06-16. Review status: reviewed by expert panel. Criteria: ClinGen LSD ACMG Specifications IDUA V1.0.0. Collection method: curation. Allele origin: germline. Inheritance: Autosomal recessive inheritance.
Comment: The NM_000203.5:c.164dup (p.Leu56fs) variant in IDUA is a frameshift variant predicted to cause a premature stop codon in biologically-relevant-exon 2 out of 14, leading to nonsense mediated decay in a gene in which loss-of-function is an established disease mechanism (PVS1_very strong). This variant is also referred to as c.252insC in the literature due to the use of a different transcript (ClinVar Variation ID: 855487). This variant has been detected in at least 5 individuals with MPS1, including one set of monozygotic twins. Of those individuals, 3 are compound heterozygous for the variant and another variant in IDUA that has been classified as pathogenic or likely pathogenic by the ClinGen Lysosomal Diseases VCEP including c.1395delC p.(Gly466AlafsTer59) (ClinVar Variation ID: 929236) (proband and affected sibling, confirmed in trans, 1 point) (PMID: 30755342) and c.1205G>A p.(Trp402Ter) (ClinVar Variation ID: 11908) (1 patient, phase not confirmed, 0.5 points) (PMID: 7550242), Total 1.5 points (PM3). This variant has also been reported in monozygotic twins with attenuated MPS1 in the compound heterozygous state with the variant and c.1209C>A p.(Thr374Asn), also referred to as c.1121C>A in the literature due to the use of different transcript (PMID: 21176924). Notably, the paper does not clearly state the reference transcript, and the allelic data for these patients will be used to support the classification of c.1209C>A and is not included here in order to avoid circular logic. One patient with this variant in the compound heterozygous state with c.1395delC has been reported with a clinical diagnosis of Hurler syndrome, presenting with reduced IDUA enzyme activity (<0.8nmol/mg protein/hr, reference 28.8-89.8), mild dysostosis multiplex, and mild cardiac valvular disease. Their sibling, also compound heterozygous for this variant and c.1395delC had undetectable IDUA enzyme activity, dysostosis multiplex, coarse facies, and chronic pulmonary dysfunction. The highest population minor allele frequency in gnomAD v4.1.0 is 0.000245 (11/44,856 alleles) in the East Asian population, which is lower than the ClinGen Lysosomal Diseases VCEP’s threshold for PM2_Supporting (<0.00025), meeting this criterion (PM2_Supporting). There is a ClinVar entry for this variant (Variation ID: 855487). In summary, this variant meets the criteria to be classified as pathogenic for MPS I based on the IDUA-specific ACMG/AMP criteria applied, as specified by the ClinGen Lysosomal Diseases Variant Curation Expert Panel (Specifications Version 1.0.0): PVS1, PM3, PP1_moderate, PP4_moderate, PM2_supporting. (Classification approved by the ClinGen Lysosomal Diseases Variant Curation Expert Panel on June 16, 2025)

Revvity Omics, Revvity
Classification: Likely pathogenic. Last evaluated: 2025-07-29. Review status: criteria provided, single submitter. Criteria: ACMG Guidelines, 2015. Collection method: clinical testing. Allele origin: germline. Not counted in ClinVar's aggregate classification.

Natera, Inc.
Classification: Pathogenic for Mucopolysaccharidosis type I. Last evaluated: 2025-04-13. Review status: criteria provided, single submitter. Criteria: Natera Variant Classification Schema (03/2026). Collection method: clinical testing. Allele origin: germline. Not counted in ClinVar's aggregate classification.
Comment: The c.164dupC variant in IDUA is a frameshift variant predicted to shift the reading frame beginning at codon 56 and leads to a stop codon 7 codons downstream. This variant is expected to result in nonsense mediated decay, truncation, or a dysfunctional protein product. This variant is rare in the general population with a frequency below the threshold expected for the associated phenotype(s). This variant has been observed in one or more individuals affected with the associated recessive disease, as either homozygous or compound heterozygous with a second variant (PMID: 7550242). Given the available evidence, this variant is classified as Pathogenic.

Fulgent Genetics
Classification: Pathogenic for Hurler syndrome; Mucopolysaccharidosis, MPS-I-H/S; Mucopolysaccharidosis, MPS-I-S. Last evaluated: 2024-03-10. Review status: criteria provided, single submitter. Criteria: ACMG Guidelines, 2015. Collection method: clinical testing. Allele origin: germline. Not counted in ClinVar's aggregate classification.

Labcorp Genetics (formerly Invitae), Labcorp
Classification: Pathogenic for Mucopolysaccharidosis type 1. Last evaluated: 2024-03-04. Review status: criteria provided, single submitter. Criteria: Invitae Variant Classification Sherloc (09022015). Collection method: clinical testing. Allele origin: germline. Not counted in ClinVar's aggregate classification.
Comment: This sequence change creates a premature translational stop signal (p.Leu56Alafs*7) in the IDUA gene. It is expected to result in an absent or disrupted protein product. Loss-of-function variants in IDUA are known to be pathogenic (PMID: 11735025, 21480867). The frequency data for this variant in the population databases is considered unreliable, as metrics indicate poor data quality at this position in the gnomAD database. This premature translational stop signal has been observed in individual(s) with IDUA-related conditions (PMID: 7550242, 21176924). This variant is also known as 252insC. ClinVar contains an entry for this variant (Variation ID: 855487). Algorithms developed to predict the effect of sequence changes on RNA splicing suggest that this variant may disrupt the consensus splice site. For these reasons, this variant has been classified as Pathogenic.

Women's Health and Genetics/Laboratory Corporation of America, LabCorp
Classification: Pathogenic for Mucopolysaccharidosis type 1. Last evaluated: 2021-07-02. Review status: criteria provided, single submitter. Criteria: LabCorp Variant Classification Summary - May 2015. Collection method: clinical testing. Allele origin: germline. Not counted in ClinVar's aggregate classification.
Comment: Variant summary: IDUA c.164dupC (p.Leu56AlafsX7) results in a premature termination codon, predicted to cause a truncation of the encoded protein or absence of the protein due to nonsense mediated decay, which are commonly known mechanisms for disease. The variant allele was found at a frequency of 4.1e-06 in 242100 control chromosomes (gnomAD). c.164dupC has been reported in the literature in individuals affected with Mucopolysaccharidosis Type 1 (e.g. Bunge_1995, Furukawa_2011, Yamazaki_2019). These data indicate that the variant is likely to be associated with disease. Two ClinVar submitters (evaluation after 2014) cite the variant as pathogenic. Based on the evidence outlined above, the variant was classified as pathogenic.

Centre of Medical Genetics, University Hospital Muenster
Classification: Pathogenic. Last evaluated: 2021-05-11. Review status: criteria provided, single submitter. Criteria: ACMG Guidelines, 2015. Collection method: clinical testing. Allele origin: unknown. Affected: yes. Observed: 1 variant allele, 1 heterozygote. Not counted in ClinVar's aggregate classification.
Comment: ACMG categories: PVS1,PS3,PM2,PP5

Literature cited by the submitters: PubMed 7550242 (cited by 3 submitters); PubMed 11735025 (cited by Labcorp Genetics (formerly Invitae), Labcorp); PubMed 21480867 (cited by Labcorp Genetics (formerly Invitae), Labcorp); PubMed 21176924 (cited by Labcorp Genetics (formerly Invitae), Labcorp and Women's Health and Genetics/Laboratory Corporation of America, LabCorp); PubMed 30755342 (cited by Women's Health and Genetics/Laboratory Corporation of America, LabCorp).